The following is an entry in ClinVar:

NM_001041.4(SI):c.1663C>G (p.Gln555Glu)

Gene: SI (sucrase-isomaltase; minus strand). Cytogenetic location: 3q26.1.
Variant type: single nucleotide variant.
Coding change: c.1663C>G on transcript NM_001041.4 (MANE Select); coding-DNA position 1663, C replaced by G.
Protein change: p.Gln555Glu; replaces glutamine 555 with glutamic acid.
Molecular consequence: missense variant.
Genome position (GRCh38, 1-based): chr3:165,049,179, G>C on the plus strand (C>G on the coding strand, the complement: SI is on the minus strand). VCF-style: chr3-165049179-G-C. GRCh37 (hg19) VCF-style: chr3-164766967-G-C.
Other names: short protein forms Q555E.
Identifiers: ClinVar variation 2015918 (VCV002015918.4), dbSNP rs1576909192, ClinGen allele CA355052959.

ClinVar aggregate classification (germline): Uncertain significance (1 of 4 stars; one submission).

gnomAD v4.1: 2 of 1,612,454 alleles (0.00012%); highest among the groups gnomAD compares: Non-Finnish European, 0.00017%; no homozygotes.

Submission:

Labcorp Genetics (formerly Invitae), Labcorp
Classification: Uncertain significance. Last evaluated: 2023-12-06. Review status: criteria provided, single submitter. Criteria: Invitae Variant Classification Sherloc (09022015). Collection method: clinical testing. Allele origin: germline.
Comment: This sequence change replaces glutamine, which is neutral and polar, with glutamic acid, which is acidic and polar, at codon 555 of the SI protein (p.Gln555Glu). This variant is not present in population databases (gnomAD no frequency). This variant has not been reported in the literature in individuals affected with SI-related conditions. ClinVar contains an entry for this variant (Variation ID: 2015918). Advanced modeling of protein sequence and biophysical properties (such as structural, functional, and spatial information, amino acid conservation, physicochemical variation, residue mobility, and thermodynamic stability) has been performed at Invitae for this missense variant, however the output from this modeling did not meet the statistical confidence thresholds required to predict the impact of this variant on SI protein function. In summary, the available evidence is currently insufficient to determine the role of this variant in disease. Therefore, it has been classified as a Variant of Uncertain Significance.